The following is an entry in ClinVar:

ClinVar aggregate classification (germline): Pathogenic (1 of 4 stars; one submission).

Submission:

Labcorp Genetics (formerly Invitae), Labcorp
Classification: Pathogenic. Last evaluated: 2019-08-01. Review status: criteria provided, single submitter. Criteria: Invitae Variant Classification Sherloc (09022015). Collection method: clinical testing. Allele origin: germline.
Comment: For these reasons, this variant has been classified as Pathogenic. Loss-of-function variants in HPS3 are known to be pathogenic (PMID: 11590544). This variant has not been reported in the literature in individuals with HPS3-related conditions. This variant is not present in population databases (ExAC no frequency). This sequence change creates a premature translational stop signal (p.Cys344Alafs*20) in the HPS3 gene. It is expected to result in an absent or disrupted protein product.

Literature cited by the submitters: PubMed 11590544.

NM_032383.5(HPS3):c.1030del (p.Cys344fs)

Gene: HPS3 (HPS3 biogenesis of lysosomal organelles complex 2 subunit 1; plus strand). Cytogenetic location: 3q24.
Variant type: Deletion.
Coding change: c.1030del on transcript NM_032383.5 (MANE Select); coding-DNA position 1030, one base deleted (T; older notation c.1030delT).
Protein change: p.Cys344fs; shifts the reading frame from cysteine 344.
Molecular consequence: frameshift variant.
Genome position (GRCh38, 1-based): chr3:149,145,413, T deleted; the last of 4 consecutive T bases (chr3:149,145,410-149,145,413); deleting any one gives the same sequence. VCF-style (leftmost placement, unchanged base first): chr3-149145409-CT-C. GRCh37 (hg19) VCF-style: chr3-148863196-CT-C.
Other names: c.535del, p.Cys179fs (NM_001308258.2); short protein forms C344fs, C179fs.
Identifiers: ClinVar variation 955986 (VCV000955986.7), dbSNP rs1452976388, ClinGen allele CA546936606.